The following is an entry in ClinVar:

ClinVar aggregate classification (germline): Uncertain significance (1 of 4 stars; one submission).

Conditions:
Hypertrophic cardiomyopathy. Also called: HYPERTROPHIC MYOCARDIOPATHY. Identifiers: Orphanet 217569, MedGen C0007194, MeSH D002312, MONDO:0005045, HP:0001639.

gnomAD v4.1: 3 of 1,517,570 alleles (0.0002%); highest among the groups gnomAD compares: Non-Finnish European, 0.00026%; no homozygotes.

Submission:

Labcorp Genetics (formerly Invitae), Labcorp
Classification: Uncertain significance for Hypertrophic cardiomyopathy. Last evaluated: 2026-01-21. Review status: criteria provided, single submitter. Criteria: Invitae Variant Classification Sherloc (09022015). Collection method: clinical testing. Allele origin: germline.
Comment: This sequence change replaces glycine, which is neutral and non-polar, with aspartic acid, which is acidic and polar, at codon 224 of the JPH2 protein (p.Gly224Asp). This variant is present in population databases (no rsID available, gnomAD 0.007%). This variant has not been reported in the literature in individuals affected with JPH2-related conditions. An algorithm developed to predict the effect of missense changes on protein structure and function (PolyPhen-2) suggests that this variant is likely to be disruptive. In summary, the available evidence is currently insufficient to determine the role of this variant in disease. Therefore, it has been classified as a Variant of Uncertain Significance.

NM_020433.5(JPH2):c.671G>A (p.Gly224Asp)

Gene: JPH2 (junctophilin 2; minus strand). Cytogenetic location: 20q13.12.
Variant type: single nucleotide variant.
Coding change: c.671G>A on transcript NM_020433.5 (MANE Select); coding-DNA position 671, G replaced by A.
Protein change: p.Gly224Asp; replaces glycine 224 with aspartic acid.
Molecular consequence: missense variant.
Genome position (GRCh38, 1-based): chr20:44,160,116, C>T on the plus strand (G>A on the coding strand, the complement: JPH2 is on the minus strand). VCF-style: chr20-44160116-C-T. GRCh37 (hg19) VCF-style: chr20-42788756-C-T.
Other names: short protein forms G224D.
Identifiers: ClinVar variation 4738750 (VCV004738750.1).